The following is an entry in ClinVar:

NM_001378414.1(HDAC4):c.2126G>T (p.Arg709Leu)

Gene: HDAC4 (histone deacetylase 4; minus strand). Cytogenetic location: 2q37.3.
Variant type: single nucleotide variant.
Coding change: c.2126G>T on transcript NM_001378414.1 (MANE Select); coding-DNA position 2126, G replaced by T.
Protein change: p.Arg709Leu; replaces arginine 709 with leucine.
Molecular consequence: missense variant.
Genome position (GRCh38, 1-based): chr2:239,102,883, C>A on the plus strand (G>T on the coding strand, the complement: HDAC4 is on the minus strand). VCF-style: chr2-239102883-C-A. GRCh37 (hg19) VCF-style: chr2-240024579-C-A.
Other names: c.2126G>T, p.Arg709Leu (NM_001378415.1); c.2111G>T, p.Arg704Leu (NM_001378416.1, NM_001378417.1, NM_001435996.1 and 1 more transcripts); c.2045G>T, p.Arg682Leu (NM_001435991.1, NM_001435992.1, NM_001435994.1); c.1967G>T, p.Arg656Leu (NM_001435993.1); c.2030G>T, p.Arg677Leu (NM_001435998.1); short protein forms R656L, R677L, R682L, R704L, R709L.
Identifiers: ClinVar variation 4279679 (VCV004279679.1).

ClinVar aggregate classification (germline): Uncertain significance (1 of 4 stars; one submission).

Conditions:
HDAC4-related disorder. Also called: HDAC4-related condition.

Submission:

Daryl Scott Lab, Baylor College of Medicine
Classification: Uncertain significance for HDAC4-related disorder. Review status: criteria provided, single submitter. Criteria: ACMG Guidelines, 2015. Collection method: clinical testing. Allele origin: unknown. Affected: yes. Observed: 1 heterozygote.
Comment: PM2, PP3